The following is an entry in ClinVar:

NM_012210.4(TRIM32):c.-5G>T

Genes: ASTN2 (astrotactin 2; minus strand), TRIM32 (tripartite motif containing 32; plus strand). Cytogenetic location: 9q33.1.
Variant type: single nucleotide variant.
Coding change: c.-5G>T on transcript NM_012210.4 (MANE Select); 5 bases upstream of the start codon, G replaced by T.
Molecular consequence: 5 prime UTR variant. On other transcripts: intron variant (3).
Genome position (GRCh38, 1-based): chr9:116,697,738, G>T. VCF-style: chr9-116697738-G-T. GRCh37 (hg19) VCF-style: chr9-119460017-G-T.
Other names: c.-5G>T (NM_001099679.2, NM_001379048.1, NM_001379049.1 and 1 more transcripts); c.2653+28033C>A (NM_014010.5); c.2794+28033C>A (NM_001365069.1); c.2806+28033C>A (NM_001365068.1).
Identifiers: ClinVar variation 3358623 (VCV003358623.1).

ClinVar aggregate classification (germline): Likely benign (0 of 4 stars; one submission).

Conditions:
TRIM32-related disorder. Also called: TRIM32-related condition.

gnomAD v4.1: 7 of 1,613,848 alleles (0.00043%); highest among the groups gnomAD compares: Admixed American, 0.0033%; no homozygotes.

Submission:

PreventionGenetics, part of Exact Sciences
Classification: Likely benign for TRIM32-related condition. Last evaluated: 2024-04-17. Review status: no assertion criteria provided. Collection method: clinical testing. Allele origin: germline.
Comment: This variant is classified as likely benign based on ACMG/AMP sequence variant interpretation guidelines (Richards et al. 2015 PMID: 25741868, with internal and published modifications).